The following is an entry in ClinVar:

ClinVar aggregate classification (germline): Uncertain significance (1 of 4 stars; one submission).

Allele frequency attached by ClinVar (database versions not stated): ExAC 0.00001; gnomAD 0.00001 and 0.00002; gnomAD exomes 0.00001; TOPMed 0.00001.
gnomAD v4.1: 8 of 1,614,004 alleles (0.0005%); highest among the groups gnomAD compares: Admixed American, 0.005%; no homozygotes.

Submission:

Labcorp Genetics (formerly Invitae), Labcorp
Classification: Uncertain significance. Last evaluated: 2022-11-22. Review status: criteria provided, single submitter. Criteria: Invitae Variant Classification Sherloc (09022015). Collection method: clinical testing. Allele origin: germline.
Comment: In summary, the available evidence is currently insufficient to determine the role of this variant in disease. Therefore, it has been classified as a Variant of Uncertain Significance. Advanced modeling of protein sequence and biophysical properties (such as structural, functional, and spatial information, amino acid conservation, physicochemical variation, residue mobility, and thermodynamic stability) performed at Invitae indicates that this missense variant is not expected to disrupt CNGB1 protein function. ClinVar contains an entry for this variant (Variation ID: 1466666). This variant has not been reported in the literature in individuals affected with CNGB1-related conditions. This variant is present in population databases (rs777737761, gnomAD 0.006%). This sequence change replaces asparagine, which is neutral and polar, with aspartic acid, which is acidic and polar, at codon 565 of the CNGB1 protein (p.Asn565Asp).

NM_001297.5(CNGB1):c.1693A>G (p.Asn565Asp)

Gene: CNGB1 (cyclic nucleotide gated channel subunit beta 1; minus strand). Cytogenetic location: 16q21.
Variant type: single nucleotide variant.
Coding change: c.1693A>G on transcript NM_001297.5 (MANE Select); coding-DNA position 1693, A replaced by G.
Protein change: p.Asn565Asp; replaces asparagine 565 with aspartic acid.
Molecular consequence: missense variant.
Genome position (GRCh38, 1-based): chr16:57,920,495, T>C on the plus strand (A>G on the coding strand, the complement: CNGB1 is on the minus strand). VCF-style: chr16-57920495-T-C. GRCh37 (hg19) VCF-style: chr16-57954399-T-C.
Other names: c.1675A>G, p.Asn559Asp (NM_001286130.2); short protein forms N559D, N565D.
Identifiers: ClinVar variation 1466666 (VCV001466666.5), dbSNP rs777737761, ClinGen allele CA8083320.
Genomic context (GRCh38, chr16:57,920,495, plus strand): 5'-TCTCCTTCACTTTCTCTGTCCGCTCCTTGAAGAGCTTCACCAGCTCCTGGAGCCGGTCGT[T>C]GATGATGGCGCTATTTGTGCTGGCCGTGGAGGCCGCACGGTCCTGGCCACTGTGGGAACA-3'
Protein context (NP_001288.3, residues 555-575): STASTNSAII[Asn565Asp]DRLQELVKLF